The following is an entry in ClinVar:

NM_001690.4(ATP6V1A):c.1769T>A (p.Leu590Gln)

Gene: ATP6V1A (ATPase H+ transporting V1 subunit A; plus strand). Cytogenetic location: 3q13.31.
Variant type: single nucleotide variant.
Coding change: c.1769T>A on transcript NM_001690.4 (MANE Select); coding-DNA position 1769, T replaced by A.
Protein change: p.Leu590Gln; replaces leucine 590 with glutamine.
Molecular consequence: missense variant.
Genome position (GRCh38, 1-based): chr3:113,809,342, T>A. VCF-style: chr3-113809342-T-A. GRCh37 (hg19) VCF-style: chr3-113528189-T-A.
Other names: short protein forms L590Q.
Identifiers: ClinVar variation 2713236 (VCV002713236.3), dbSNP rs754385106, ClinGen allele CA2548166.
Genomic context (GRCh38, chr3:113,809,342, plus strand): 5'-GTAATGAAAATTATTTTCCAAATGCGAGTTGAATTTGTAATGTCTTCTTTCAGGATCCAC[T>A]GAAAGATGGTGAGGCAAAGATCAAAAGCGACTATGCACAACTTCTTGAAGACATGCAGAA-3'
Protein context (NP_001681.2, residues 580-600): KLSSMKFKDP[Leu590Gln]KDGEAKIKSD

ClinVar aggregate classification (germline): Uncertain significance (1 of 4 stars; one submission).

Allele frequency attached by ClinVar (database versions not stated): gnomAD 0.00001; gnomAD exomes 0.00002; TOPMed 0.00002; ExAC 0.00004.
gnomAD v4.1: 25 of 1,612,764 alleles (0.0016%); highest among the groups gnomAD compares: Admixed American, 0.01%; no homozygotes.

Submission:

Labcorp Genetics (formerly Invitae), Labcorp
Classification: Uncertain significance. Last evaluated: 2025-09-05. Review status: criteria provided, single submitter. Criteria: Invitae Variant Classification Sherloc (09022015). Collection method: clinical testing. Allele origin: germline.
Comment: This sequence change replaces leucine, which is neutral and non-polar, with glutamine, which is neutral and polar, at codon 590 of the ATP6V1A protein (p.Leu590Gln). This variant is present in population databases (rs754385106, gnomAD 0.009%). This variant has not been reported in the literature in individuals affected with ATP6V1A-related conditions. ClinVar contains an entry for this variant (Variation ID: 2713236). Invitae Evidence Modeling of protein sequence and biophysical properties (such as structural, functional, and spatial information, amino acid conservation, physicochemical variation, residue mobility, and thermodynamic stability) indicates that this missense variant is not expected to disrupt ATP6V1A protein function with a negative predictive value of 80%. In summary, the available evidence is currently insufficient to determine the role of this variant in disease. Therefore, it has been classified as a Variant of Uncertain Significance.